The following is an entry in ClinVar:

NM_015274.3(MAN2B2):c.2331G>C (p.Arg777=)

Gene: MAN2B2 (mannosidase alpha class 2B member 2; plus strand). Cytogenetic location: 4p16.1.
Variant type: single nucleotide variant.
Coding change: c.2331G>C on transcript NM_015274.3 (MANE Select); coding-DNA position 2331, G replaced by C.
Protein change: p.Arg777=; no amino-acid change (arginine 777 retained).
Molecular consequence: synonymous variant.
Genome position (GRCh38, 1-based): chr4:6,610,951, G>C. VCF-style: chr4-6610951-G-C. GRCh37 (hg19) VCF-style: chr4-6612678-G-C.
Other names: c.2178G>C, p.Arg726= (NM_001292038.2).
Identifiers: ClinVar variation 4689027 (VCV004689027.3).

ClinVar aggregate classification (germline): Likely benign. Review status: criteria provided, multiple submitters, no conflicts (2 of 4 stars). 2 submissions from 2 submitters: Likely benign (2). Last evaluated 2026-04-01.

gnomAD v4.1: 994 of 1,614,208 alleles (0.062%); highest among the groups gnomAD compares: African/African-American, 1.1%; 10 homozygotes.

Submissions (2):

CeGaT Center for Human Genetics Tuebingen
Classification: Likely benign. Last evaluated: 2026-04-01. Review status: criteria provided, single submitter. Criteria: CeGaT Center For Human Genetics Tuebingen Variant Classification Criteria Version 2. Collection method: clinical testing. Allele origin: germline. Affected: yes. Observed: 1 variant allele.
Comment: MAN2B2: BP4, BP7, BS1

Women's Health and Genetics/Laboratory Corporation of America, LabCorp
Classification: Likely benign. Last evaluated: 2026-01-22. Review status: criteria provided, single submitter. Criteria: LabCorp Variant Classification Summary - May 2015. Collection method: clinical testing. Allele origin: germline.